The following is an entry in ClinVar:

ClinVar aggregate classification (germline): Uncertain significance (0 of 4 stars; one submission).

Conditions:
SACS-related disorder. Also called: SACS-related condition.

Submission:

PreventionGenetics, part of Exact Sciences
Classification: Uncertain significance for SACS-related condition. Last evaluated: 2024-07-30. Review status: no assertion criteria provided. Collection method: clinical testing. Allele origin: germline.
Comment: The SACS c.8243C>A variant is predicted to result in the amino acid substitution p.Ser2748Tyr. To our knowledge, this variant has not been reported in the literature or in a large population database, indicating this variant is rare. At this time, the clinical significance of this variant is uncertain due to the absence of conclusive functional and genetic evidence.

NM_014363.6(SACS):c.8243C>A (p.Ser2748Tyr)

Gene: SACS (sacsin molecular chaperone; minus strand). Cytogenetic location: 13q12.12.
Variant type: single nucleotide variant.
Coding change: c.8243C>A on transcript NM_014363.6 (MANE Select); coding-DNA position 8243, C replaced by A.
Protein change: p.Ser2748Tyr; replaces serine 2748 with tyrosine.
Molecular consequence: missense variant.
Genome position (GRCh38, 1-based): chr13:23,335,633, G>T on the plus strand (C>A on the coding strand, the complement: SACS is on the minus strand). VCF-style: chr13-23335633-G-T. GRCh37 (hg19) VCF-style: chr13-23909772-G-T.
Other names: c.7802C>A, p.Ser2601Tyr (NM_001278055.2); short protein forms S2601Y, S2748Y.
Identifiers: ClinVar variation 3353983 (VCV003353983.1).